The following is an entry in ClinVar:

ClinVar aggregate classification (germline): Uncertain significance. Review status: criteria provided, multiple submitters, no conflicts (2 of 4 stars). 2 submissions from 2 submitters: Uncertain significance (2). Last evaluated 2026-03-12.

Conditions:
Renal cell carcinoma. Identifiers: Orphanet 217071, MedGen C0007134, MeSH D002292, MONDO:0005086, HP:0005584.
Hereditary cancer-predisposing syndrome. Also called: Hereditary Cancer Syndrome; Neoplastic Syndromes, Hereditary; Tumor predisposition; Hereditary neoplastic syndrome. Identifiers: Orphanet 140162, MedGen C0027672, MeSH D009386, MONDO:0015356.

Submissions (2):

Ambry Genetics
Classification: Uncertain significance for Hereditary cancer-predisposing syndrome. Last evaluated: 2026-03-12. Review status: criteria provided, single submitter. Criteria: Ambry Variant Classification Scheme 2023. Collection method: clinical testing. Allele origin: germline.
Comment: The c.433_434delGT variant, located in coding exon 1 of the MET gene, results from a deletion of two nucleotides at nucleotide positions 433 to 434, causing a translational frameshift with a predicted alternate stop codon (p.V145Lfs*8). This alteration is expected to result in loss of function by premature protein truncation or nonsense-mediated mRNA decay. However, loss of function has not been established as a mechanism of disease. Based on the available evidence, the clinical significance of this variant remains unclear.

Labcorp Genetics (formerly Invitae), Labcorp
Classification: Uncertain significance for Renal cell carcinoma. Last evaluated: 2024-05-23. Review status: criteria provided, single submitter. Criteria: Invitae Variant Classification Sherloc (09022015). Collection method: clinical testing. Allele origin: germline.
Comment: This sequence change creates a premature translational stop signal (p.Val145Leufs*8) in the MET gene. It is expected to result in an absent or disrupted protein product. However, the current clinical and genetic evidence is not sufficient to establish whether loss-of-function variants in MET cause disease. This variant is not present in population databases (gnomAD no frequency). This variant has not been reported in the literature in individuals affected with MET-related conditions. In summary, the available evidence is currently insufficient to determine the role of this variant in disease. Therefore, it has been classified as a Variant of Uncertain Significance.

NM_000245.4(MET):c.433_434del (p.Val145fs)

Gene: MET (MET proto-oncogene, receptor tyrosine kinase; plus strand). Cytogenetic location: 7q31.2.
Variant type: Deletion.
Coding change: c.433_434del on transcript NM_000245.4 (MANE Select); coding-DNA positions 433 to 434, 2 bases deleted (GT; older notation c.433_434delGT).
Protein change: p.Val145fs; shifts the reading frame from valine 145.
Molecular consequence: frameshift variant. On other transcripts: intron variant (1).
Genome position (GRCh38, 1-based): chr7:116,699,517-116,699,518, GT deleted; deleting any 2 consecutive bases within chr7:116,699,516-116,699,518 gives the same sequence; the c. name uses the placement nearest the transcript's 3' end. VCF-style (leftmost placement, unchanged base first): chr7-116699515-ATG-A. GRCh37 (hg19) VCF-style: chr7-116339569-ATG-A.
Other names: c.433_434del, p.Val145fs (NM_001127500.3, NM_001324401.3); c.-91+26940_-91+26941del (NM_001324402.2); short protein forms V145fs.
Identifiers: ClinVar variation 3672623 (VCV003672623.3).